The following is an entry in ClinVar:

ClinVar aggregate classification (germline): Uncertain significance (1 of 4 stars; one submission).

Submission:

Ambry Genetics
Classification: Uncertain significance. Last evaluated: 2022-10-12. Review status: criteria provided, single submitter. Criteria: Ambry Variant Classification Scheme 2023. Collection method: clinical testing. Allele origin: germline.
Comment: The p.A467T variant (also known as c.1399G>A), located in coding exon 12 of the BUB1 gene, results from a G to A substitution at nucleotide position 1399. The alanine at codon 467 is replaced by threonine, an amino acid with similar properties. This amino acid position is conserved. In addition, the in silico prediction for this alteration is inconclusive. Since supporting evidence is limited at this time, the clinical significance of this alteration remains unclear.

NM_004336.5(BUB1):c.1399G>A (p.Ala467Thr)

Gene: BUB1 (BUB1 mitotic checkpoint serine/threonine kinase; minus strand). Cytogenetic location: 2q13.
Variant type: single nucleotide variant.
Coding change: c.1399G>A on transcript NM_004336.5 (MANE Select); coding-DNA position 1399, G replaced by A.
Protein change: p.Ala467Thr; replaces alanine 467 with threonine.
Molecular consequence: missense variant.
Genome position (GRCh38, 1-based): chr2:110,658,620, C>T on the plus strand (G>A on the coding strand, the complement: BUB1 is on the minus strand). VCF-style: chr2-110658620-C-T. GRCh37 (hg19) VCF-style: chr2-111416197-C-T.
Other names: c.1339G>A, p.Ala447Thr (NM_001278616.2); c.1399G>A, p.Ala467Thr (NM_001278617.2); short protein forms A467T, A447T.
Identifiers: ClinVar variation 1771705 (VCV001771705.2), dbSNP rs2468010167, ClinGen allele CA348212513.